The following is an entry in ClinVar:

NM_173842.3(IL1RN):c.427G>A (p.Gly143Ser)

Gene: IL1RN (interleukin 1 receptor antagonist; plus strand). Cytogenetic location: 2q14.1.
Variant type: single nucleotide variant.
Coding change: c.427G>A on transcript NM_173842.3 (MANE Select); coding-DNA position 427, G replaced by A.
Protein change: p.Gly143Ser; replaces glycine 143 with serine.
Molecular consequence: missense variant.
Genome position (GRCh38, 1-based): chr2:113,132,764, G>A. VCF-style: chr2-113132764-G-A. GRCh37 (hg19) VCF-style: chr2-113890341-G-A.
Other names: c.373G>A, p.Gly125Ser (NM_000577.5); c.325G>A, p.Gly109Ser (NM_001318914.2, NM_001379360.1, NM_173843.3); c.436G>A, p.Gly146Ser (NM_173841.3); short protein forms G146S, G109S, G125S, G143S.
Identifiers: ClinVar variation 1521007 (VCV001521007.7), dbSNP rs143317628, ClinGen allele CA1838899.

ClinVar aggregate classification (germline): Uncertain significance. Review status: criteria provided, multiple submitters, no conflicts (2 of 4 stars). 2 submissions from 2 submitters: Uncertain significance (2). Last evaluated 2024-08-14.

Conditions:
Sterile multifocal osteomyelitis with periostitis and pustulosis. Also called: CHRONIC RECURRENT MULTIFOCAL OSTEOMYELITIS 2, WITH PERIOSTITIS AND PUSTULOSIS. Identifiers: Orphanet 210115, MedGen C2748507, MONDO:0013021, OMIM 612852.

Allele frequency attached by ClinVar (database versions not stated): ExAC 0.00002; gnomAD exomes 0.00002; gnomAD 0.00003; TOPMed 0.00003; ESP Exome Variant Server 0.00008.
gnomAD v4.1: 16 of 1,614,126 alleles (0.00099%); highest among the groups gnomAD compares: African/African-American, 0.008%; no homozygotes.

Submissions (2):

Blueprint Genetics
Classification: Uncertain significance. Last evaluated: 2024-08-14. Review status: criteria provided, single submitter. Criteria: ACMG Guidelines, 2015. Collection method: clinical testing. Allele origin: germline.

Labcorp Genetics (formerly Invitae), Labcorp
Classification: Uncertain significance for Sterile multifocal osteomyelitis with periostitis and pustulosis. Last evaluated: 2022-05-07. Review status: criteria provided, single submitter. Criteria: Invitae Variant Classification Sherloc (09022015). Collection method: clinical testing. Allele origin: germline.
Comment: In summary, the available evidence is currently insufficient to determine the role of this variant in disease. Therefore, it has been classified as a Variant of Uncertain Significance. Algorithms developed to predict the effect of sequence changes on RNA splicing suggest that this variant may create or strengthen a splice site. Algorithms developed to predict the effect of missense changes on protein structure and function (SIFT, PolyPhen-2, Align-GVGD) all suggest that this variant is likely to be disruptive. This variant has not been reported in the literature in individuals affected with IL1RN-related conditions. This variant is present in population databases (rs143317628, gnomAD 0.003%). This sequence change replaces glycine, which is neutral and non-polar, with serine, which is neutral and polar, at codon 146 of the IL1RN protein (p.Gly146Ser).